The following is an entry in ClinVar:

ClinVar aggregate classification (germline): Likely pathogenic (1 of 4 stars; one submission).

Conditions:
Hereditary breast ovarian cancer syndrome. Also called: Hereditary breast and ovarian cancer syndrome; Hereditary breast and ovarian cancer; Hereditary breast and ovarian cancer syndrome (HBOC); Breast and ovarian cancer; Hereditary breast and/or ovarian cancer syndrome; BRCA1- and BRCA2-Associated Hereditary Breast and Ovarian Cancer. Identifiers: Orphanet 145, MedGen C0677776, MeSH D061325, MONDO:0003582. Disease mechanism: loss of function.

Submission:

Laboratory for Molecular Medicine, Mass General Brigham Personalized Medicine
Classification: Likely pathogenic for Hereditary breast ovarian cancer syndrome. Last evaluated: 2019-05-08. Review status: criteria provided, single submitter. Criteria: ACMG Guidelines, 2015. Collection method: clinical testing. Allele origin: germline.
Comment: The p.Thr203LeufsX7 variant in BRCA2 has not been previously reported in individuals with hereditary breast and/or ovarian cancer (HBOC) and was absent from large population studies. This variant is predicted to cause a frameshift, which alters the protein’s amino acid sequence beginning at position 203 and leads to a premature termination codon 7 amino acids downstream. This alteration is then predicted to lead to a truncated or absent protein. Loss of function of the BRCA2 gene is an established disease mechanism in autosomal dominant HBOC. In summary, although additional studies are required to fully establish its clinical significance, this variant meets criteria to be classified as likely pathogenic for autosomal dominant HBOC. ACMG/AMP Criteria applied: PVS1, PM2.

NM_000059.4(BRCA2):c.607_610del (p.Thr203fs)

Gene: BRCA2 (BRCA2 DNA repair associated; plus strand). Cytogenetic location: 13q13.1.
Variant type: Microsatellite.
Coding change: c.607_610del on transcript NM_000059.4 (MANE Select); coding-DNA positions 607 to 610, 4 bases deleted (ACCC; older notation c.607_610delACCC).
Protein change: p.Thr203fs; shifts the reading frame from threonine 203.
Molecular consequence: frameshift variant. On other transcripts: non-coding transcript variant (1).
Genome position (GRCh38, 1-based): chr13:32,326,589-32,326,592, ACCC deleted; deleting any 4 consecutive bases within chr13:32,326,583-32,326,592 gives the same sequence; the c. name uses the placement nearest the transcript's 3' end. VCF-style (leftmost placement, unchanged base first): chr13-32326582-ACCAC-A. GRCh37 (hg19) VCF-style: chr13-32900719-ACCAC-A.
Other names: c.607_610del, p.Thr203fs (NM_001406719.1, NM_001406720.1, NM_001406721.1); c.238_241del, p.Thr80fs (NM_001406722.1); short protein forms T203fs, T80fs.
Identifiers: ClinVar variation 3075769 (VCV003075769.1), dbSNP rs1566219336, ClinGen allele CA2622600953.